The following is an entry in ClinVar:

NM_205861.3(DHDDS):c.628G>A (p.Val210Met)

Gene: DHDDS (dehydrodolichyl diphosphate synthase subunit; plus strand). Cytogenetic location: 1p36.11.
Variant type: single nucleotide variant.
Coding change: c.628G>A on transcript NM_205861.3 (MANE Select); coding-DNA position 628, G replaced by A.
Protein change: p.Val210Met; replaces valine 210 with methionine.
Molecular consequence: missense variant.
Genome position (GRCh38, 1-based): chr1:26,457,876, G>A. VCF-style: chr1-26457876-G-A. GRCh37 (hg19) VCF-style: chr1-26784367-G-A.
Other names: c.526G>A, p.Val176Met (NM_001243564.2); c.511G>A, p.Val171Met (NM_001243565.2); c.349G>A, p.Val117Met (NM_001319959.2); c.628G>A, p.Val210Met (NM_024887.4); short protein forms V171M, V176M, V117M, V210M.
Identifiers: ClinVar variation 2161893 (VCV002161893.4), dbSNP rs780598237, ClinGen allele CA705408.

ClinVar aggregate classification (germline): Uncertain significance. Review status: criteria provided, multiple submitters, no conflicts (2 of 4 stars). 2 submissions from 2 submitters: Uncertain significance (2). Last evaluated 2024-06-12.

Conditions:
Retinitis pigmentosa 59 (RP59). Identifiers: Orphanet 791, MedGen C3151227, MONDO:0013468, OMIM 613861.

Allele frequency attached by ClinVar (database versions not stated): TOPMed below 0.00001; gnomAD exomes 0.00004; gnomAD 0.00005; ExAC 0.00007.
gnomAD v4.1: 75 of 1,613,882 alleles (0.0046%); highest among the groups gnomAD compares: African/African-American, 0.0013%; no homozygotes.

Submissions (2):

Labcorp Genetics (formerly Invitae), Labcorp
Classification: Uncertain significance for Retinitis pigmentosa 59. Last evaluated: 2024-06-12. Review status: criteria provided, single submitter. Criteria: Invitae Variant Classification Sherloc (09022015). Collection method: clinical testing. Allele origin: germline.
Comment: This sequence change replaces valine, which is neutral and non-polar, with methionine, which is neutral and non-polar, at codon 210 of the DHDDS protein (p.Val210Met). This variant is present in population databases (rs780598237, gnomAD 0.09%). This variant has not been reported in the literature in individuals affected with DHDDS-related conditions. ClinVar contains an entry for this variant (Variation ID: 2161893). Advanced modeling of protein sequence and biophysical properties (such as structural, functional, and spatial information, amino acid conservation, physicochemical variation, residue mobility, and thermodynamic stability) performed at Invitae indicates that this missense variant is not expected to disrupt DHDDS protein function with a negative predictive value of 80%. In summary, the available evidence is currently insufficient to determine the role of this variant in disease. Therefore, it has been classified as a Variant of Uncertain Significance.

Blueprint Genetics
Classification: Uncertain significance. Last evaluated: 2023-03-16. Review status: criteria provided, single submitter. Criteria: ACMG Guidelines, 2015. Collection method: clinical testing. Allele origin: germline.